The following is an entry in ClinVar:

ClinVar aggregate classification (germline): Uncertain significance. Review status: criteria provided, multiple submitters, no conflicts (2 of 4 stars). 3 submissions from 3 submitters: Uncertain significance (3). Last evaluated 2024-05-04.

Conditions:
Hereditary cancer-predisposing syndrome. Also called: Neoplastic Syndromes, Hereditary; Tumor predisposition; Hereditary Cancer Syndrome; Hereditary neoplastic syndrome. Identifiers: Orphanet 140162, MedGen C0027672, MeSH D009386, MONDO:0015356.
Ataxia-telangiectasia-like disorder (ATLD). Identifiers: MedGen C1858391, MONDO:0011457.

Allele frequency attached by ClinVar (database versions not stated): TOPMed below 0.00001.

Submissions (3):

Labcorp Genetics (formerly Invitae), Labcorp
Classification: Uncertain significance for Ataxia-telangiectasia-like disorder. Last evaluated: 2024-05-04. Review status: criteria provided, single submitter. Criteria: Invitae Variant Classification Sherloc (09022015). Collection method: clinical testing. Allele origin: germline.
Comment: This sequence change replaces aspartic acid, which is acidic and polar, with asparagine, which is neutral and polar, at codon 557 of the MRE11 protein (p.Asp557Asn). This variant is not present in population databases (gnomAD no frequency). This variant has not been reported in the literature in individuals affected with MRE11-related conditions. ClinVar contains an entry for this variant (Variation ID: 819785). An algorithm developed to predict the effect of missense changes on protein structure and function (PolyPhen-2) suggests that this variant is likely to be tolerated. In summary, the available evidence is currently insufficient to determine the role of this variant in disease. Therefore, it has been classified as a Variant of Uncertain Significance.

Ambry Genetics
Classification: Uncertain significance for Hereditary cancer-predisposing syndrome. Last evaluated: 2024-02-02. Review status: criteria provided, single submitter. Criteria: Ambry Variant Classification Scheme 2023. Collection method: clinical testing. Allele origin: germline.
Comment: The p.D557N variant (also known as c.1669G>A), located in coding exon 14 of the MRE11A gene, results from a G to A substitution at nucleotide position 1669. The aspartic acid at codon 557 is replaced by asparagine, an amino acid with highly similar properties. This amino acid position is highly conserved in available vertebrate species. In addition, this alteration is predicted to be tolerated by in silico analysis. Since supporting evidence is limited at this time, the clinical significance of this alteration remains unclear.

Athena Diagnostics
Classification: Uncertain significance. Last evaluated: 2021-11-15. Review status: criteria provided, single submitter. Criteria: Athena Diagnostics Criteria. Collection method: clinical testing. Allele origin: unknown.

NM_005591.4(MRE11):c.1669G>A (p.Asp557Asn)

Gene: MRE11 (MRE11 double strand break repair nuclease; minus strand). Cytogenetic location: 11q21.
Variant type: single nucleotide variant.
Coding change: c.1669G>A on transcript NM_005591.4 (MANE Select); coding-DNA position 1669, G replaced by A.
Protein change: p.Asp557Asn; replaces aspartic acid 557 with asparagine.
Molecular consequence: missense variant.
Genome position (GRCh38, 1-based): chr11:94,447,333, C>T on the plus strand (G>A on the coding strand, the complement: MRE11 is on the minus strand). VCF-style: chr11-94447333-C-T. GRCh37 (hg19) VCF-style: chr11-94180499-C-T.
Other names: c.1669G>A, p.Asp557Asn (NM_001330347.2, NM_005590.4); short protein forms D557N.
Identifiers: ClinVar variation 819785 (VCV000819785.12), dbSNP rs1591655152, ClinGen allele CA382368405.